The following is an entry in ClinVar:

NM_001739.2(CA5A):c.341-7517G>T

Gene: CA5A (carbonic anhydrase 5A; minus strand). Cytogenetic location: 16q24.2.
Variant type: single nucleotide variant.
Coding change: c.341-7517G>T on transcript NM_001739.2 (MANE Select); 7517 bases into the intron before coding-DNA position 341, G replaced by T.
Molecular consequence: intron variant.
Genome position (GRCh38, 1-based): chr16:87,912,421, C>A on the plus strand (G>T on the coding strand, the complement: CA5A is on the minus strand). VCF-style: chr16-87912421-C-A. GRCh37 (hg19) VCF-style: chr16-87946027-C-A.
Other names: c.341-7517G>T (NM_001367225.1).
Identifiers: ClinVar variation 4538385 (VCV004538385.1).
Genomic context (GRCh38, chr16:87,912,421, plus strand): 5'-TCTCACCACGGCAGAGATCCGCAGTCCCCTGAAGCAGATACCACGATTCTCAAGGTGAGA[C>A]CTGCACGTAAAGACGTCGAAAGATAAATATGTCTTAAGAACACGTCCATAAGAAAGGGCT-3'

ClinVar aggregate classification (germline): Uncertain significance (1 of 4 stars; one submission).

Submission:

Greenwood Genetic Center Diagnostic Laboratories, Greenwood Genetic Center
Classification: Uncertain significance. Last evaluated: 2025-04-23. Review status: criteria provided, single submitter. Criteria: ACMG Guidelines, 2015. Collection method: clinical testing. Allele origin: germline. Affected: yes.
Comment: PM2